The following is an entry in ClinVar:

NM_021971.4(GMPPB):c.259+6T>C

Gene: GMPPB (GDP-mannose pyrophosphorylase B; minus strand). Cytogenetic location: 3p21.31.
Variant type: single nucleotide variant.
Coding change: c.259+6T>C on transcript NM_021971.4 (MANE Select); 6 bases into the intron after coding-DNA position 259, T replaced by C.
Molecular consequence: intron variant.
Genome position (GRCh38, 1-based): chr3:49,723,248, A>G on the plus strand (T>C on the coding strand, the complement: GMPPB is on the minus strand). VCF-style: chr3-49723248-A-G. GRCh37 (hg19) VCF-style: chr3-49760681-A-G.
Other names: c.259+6T>C (NM_013334.4).
Identifiers: ClinVar variation 1042140 (VCV001042140.5), dbSNP rs2080451289, ClinGen allele CA645531840.

ClinVar aggregate classification (germline): Uncertain significance (1 of 4 stars; one submission).

Conditions:
Muscular dystrophy-dystroglycanopathy (congenital with brain and eye anomalies), type A14. Also called: WALKER-WARBURG SYNDROME OR MUSCLE-EYE-BRAIN DISEASE, GMPPB-RELATED; Muscular dystrophy-dystroglycanopathy (congenital with brain and eye anomalies), type a, 14; Congenital Muscular Dystrophy-Dystroglycanopathy with Brain and Eye Anomalies Type A 14; Congenital muscular dystrophy-dystroglycanopathy with brain and eye anomalies, type A14. Identifiers: Orphanet 588, MedGen C3809216, MONDO:0014140, OMIM 615350.
Muscular dystrophy-dystroglycanopathy (congenital with impaired intellectual development), type B, 14. Also called: MUSCULAR DYSTROPHY, CONGENITAL, GMPPB-RELATED; Muscular dystrophy-dystroglycanopathy (congenital with intellectual disability), type B14; Congenital muscular dystrophy-dystroglycanopathy with mental retardation, type B14. Identifiers: MedGen C3809221, MONDO:0014141, OMIM 615351.
Autosomal recessive limb-girdle muscular dystrophy type 2T. Also called: MUSCULAR DYSTROPHY-DYSTROGLYCANOPATHY, LIMB-GIRDLE, GMPPB-RELATED; MUSCULAR DYSTROPHY, LIMB-GIRDLE, TYPE 2T; Muscular dystrophy-dystroglycanopathy (limb-girdle), type c, 14; Limb-girdle muscular dystrophy-dystroglycanopathy, type C14. Identifiers: Orphanet 363623, MedGen C4518000, MONDO:0014142, OMIM 615352.

Submission:

Labcorp Genetics (formerly Invitae), Labcorp
Classification: Uncertain significance for Autosomal recessive limb-girdle muscular dystrophy type 2T; Muscular dystrophy-dystroglycanopathy (congenital with brain and eye anomalies), type A14; Muscular dystrophy-dystroglycanopathy (congenital with impaired intellectual development), type B, 14. Last evaluated: 2022-06-20. Review status: criteria provided, single submitter. Criteria: Invitae Variant Classification Sherloc (09022015). Collection method: clinical testing. Allele origin: germline.
Comment: This variant has not been reported in the literature in individuals affected with GMPPB-related conditions. In summary, the available evidence is currently insufficient to determine the role of this variant in disease. Therefore, it has been classified as a Variant of Uncertain Significance. Variants that disrupt the consensus splice site are a relatively common cause of aberrant splicing (PMID: 17576681, 9536098). Algorithms developed to predict the effect of sequence changes on RNA splicing suggest that this variant may disrupt the consensus splice site. ClinVar contains an entry for this variant (Variation ID: 1042140). This variant is not present in population databases (gnomAD no frequency). This sequence change falls in intron 3 of the GMPPB gene. It does not directly change the encoded amino acid sequence of the GMPPB protein. It affects a nucleotide within the consensus splice site.

Literature cited by the submitters: PubMed 17576681; PubMed 9536098.